The following is an entry in ClinVar:

NM_012268.4(PLD3):c.899G>A (p.Cys300Tyr)

Gene: PLD3 (phospholipase D family member 3; plus strand). Cytogenetic location: 19q13.2.
Variant type: single nucleotide variant.
Coding change: c.899G>A on transcript NM_012268.4 (MANE Select); coding-DNA position 899, G replaced by A.
Protein change: p.Cys300Tyr; replaces cysteine 300 with tyrosine.
Molecular consequence: missense variant.
Genome position (GRCh38, 1-based): chr19:40,374,500, G>A. VCF-style: chr19-40374500-G-A. GRCh37 (hg19) VCF-style: chr19-40880407-G-A.
Other names: p.Cys300Tyr; c.899G>A, p.Cys300Tyr (NM_001031696.4, NM_001291311.2); c.899G>A (NM_012268.3); short protein forms C300Y.
Identifiers: ClinVar variation 2060536 (VCV002060536.30), dbSNP rs146083475, ClinGen allele CA9442867.

ClinVar aggregate classification (germline): Benign/Likely benign. Review status: criteria provided, multiple submitters, no conflicts (2 of 4 stars). 4 submissions from 4 submitters: Benign (2); Likely benign (1). 1 of the submissions does not count toward it. Last evaluated 2026-01-12.

Conditions:
PLD3-related disorder. Also called: PLD3-related condition.

Allele frequency attached by ClinVar (database versions not stated): 1000 Genomes Project 30x 0.00016; 1000 Genomes Project 0.00020; gnomAD 0.00049; gnomAD exomes 0.00054; TOPMed 0.00054; ESP Exome Variant Server 0.00069; ExAC 0.00094.
gnomAD v4.1: 884 of 1,614,162 alleles (0.055%); highest among the groups gnomAD compares: Middle Eastern, 0.36%; 2 homozygotes.

Submissions (4):

Labcorp Genetics (formerly Invitae), Labcorp
Classification: Benign. Last evaluated: 2026-01-12. Review status: criteria provided, single submitter. Criteria: Invitae Variant Classification Sherloc (09022015). Collection method: clinical testing. Allele origin: germline.

Mayo Clinic Laboratories, Mayo Clinic
Classification: Benign. Last evaluated: 2023-05-25. Review status: criteria provided, single submitter. Criteria: ACMG Guidelines, 2015. Collection method: clinical testing. Allele origin: germline. Observed: 3 variant alleles.
Comment: BS1, BS2

CeGaT Center for Human Genetics Tuebingen
Classification: Likely benign. Last evaluated: 2023-01-01. Review status: criteria provided, single submitter. Criteria: CeGaT Center For Human Genetics Tuebingen Variant Classification Criteria Version 2. Collection method: clinical testing. Allele origin: germline. Affected: yes. Observed: 1 variant allele.
Comment: PLD3: BS1

PreventionGenetics, part of Exact Sciences
Classification: Benign for PLD3-related condition. Last evaluated: 2019-10-31. Review status: no assertion criteria provided. Collection method: clinical testing. Allele origin: germline. Not counted in ClinVar's aggregate classification.
Comment: This variant is classified as benign based on ACMG/AMP sequence variant interpretation guidelines (Richards et al. 2015 PMID: 25741868, with internal and published modifications).